The following is an entry in ClinVar:

NC_000023.11:g.(?_32216906)_(32412219_?)dup

Gene: DMD (dystrophin; minus strand). Cytogenetic location: Xp21.1.
Variant type: Duplication.
Identifiers: ClinVar variation 831426 (VCV000831426.1).

ClinVar aggregate classification (germline): Uncertain significance (1 of 4 stars; one submission).

Conditions:
Duchenne muscular dystrophy (DMD). Also called: Duchenne Muscular Dystrophy (DMD); MUSCULAR DYSTROPHY, PSEUDOHYPERTROPHIC PROGRESSIVE, DUCHENNE TYPE. Identifiers: Orphanet 98896, MedGen C0013264, MONDO:0010679, OMIM 310200.

Submission:

Labcorp Genetics (formerly Invitae), Labcorp
Classification: Uncertain significance for Duchenne muscular dystrophy. Last evaluated: 2019-12-04. Review status: criteria provided, single submitter. Criteria: Invitae Variant Classification Sherloc (09022015). Collection method: clinical testing. Allele origin: germline.
Comment: This variant results in a copy number gain of the genomic region encompassing exons 30-44 of the DMD gene. While the exact position of this variant cannot be determined from this data, sub-genic copy number gains are generally in tandem (PMID: 25640679). This variant would be expected to be in-frame, preserving the integrity of the reading frame. This variant has not been reported in the literature in individuals with DMD-related conditions. In summary, the available evidence is currently insufficient to determine the role of this variant in disease. Therefore, it has been classified as a Variant of Uncertain Significance.